The following is an entry in ClinVar:

NM_006514.4(SCN10A):c.49A>G (p.Thr17Ala)

Gene: SCN10A (sodium voltage-gated channel alpha subunit 10; minus strand). Cytogenetic location: 3p22.2.
Variant type: single nucleotide variant.
Coding change: c.49A>G on transcript NM_006514.4 (MANE Select); coding-DNA position 49, A replaced by G.
Protein change: p.Thr17Ala; replaces threonine 17 with alanine.
Molecular consequence: missense variant.
Genome position (GRCh38, 1-based): chr3:38,793,962, T>C on the plus strand (A>G on the coding strand, the complement: SCN10A is on the minus strand). VCF-style: chr3-38793962-T-C. GRCh37 (hg19) VCF-style: chr3-38835453-T-C.
Other names: c.49A>G, p.Thr17Ala (NM_001293306.2, NM_001293307.2); short protein forms T17A.
Identifiers: ClinVar variation 2005115 (VCV002005115.4), dbSNP rs1443029802, ClinGen allele CA352163404.

ClinVar aggregate classification (germline): Uncertain significance (1 of 4 stars; one submission).

Conditions:
Brugada syndrome. Also called: Sudden Unexplained Death Syndrome; Sudden Unexplained Nocturnal Death Syndrome (SUNDS); Sudden unexpected nocturnal death syndrome; Sudden unexplained nocturnal death syndrome. Identifiers: Orphanet 130, MedGen C1142166, MONDO:0015263.

Allele frequency attached by ClinVar (database versions not stated): gnomAD exomes below 0.00001; TOPMed below 0.00001; gnomAD 0.00001.

Submission:

Labcorp Genetics (formerly Invitae), Labcorp
Classification: Uncertain significance for Brugada syndrome. Last evaluated: 2022-06-12. Review status: criteria provided, single submitter. Criteria: Invitae Variant Classification Sherloc (09022015). Collection method: clinical testing. Allele origin: germline.
Comment: This variant is not present in population databases (gnomAD no frequency). In summary, the available evidence is currently insufficient to determine the role of this variant in disease. Therefore, it has been classified as a Variant of Uncertain Significance. Advanced modeling of protein sequence and biophysical properties (such as structural, functional, and spatial information, amino acid conservation, physicochemical variation, residue mobility, and thermodynamic stability) performed at Invitae indicates that this missense variant is expected to disrupt SCN10A protein function. This variant has not been reported in the literature in individuals affected with SCN10A-related conditions. This sequence change replaces threonine, which is neutral and polar, with alanine, which is neutral and non-polar, at codon 17 of the SCN10A protein (p.Thr17Ala).